The following is an entry in ClinVar:

NM_001191061.2(SLC25A22):c.-141G>A

Gene: SLC25A22 (solute carrier family 25 member 22; minus strand). Cytogenetic location: 11p15.5.
Variant type: single nucleotide variant.
Coding change: c.-141G>A on transcript NM_001191061.2 (MANE Select); 141 bases upstream of the start codon, G replaced by A.
Molecular consequence: 5 prime UTR variant.
Genome position (GRCh38, 1-based): chr11:795,147, C>T on the plus strand (G>A on the coding strand, the complement: SLC25A22 is on the minus strand). VCF-style: chr11-795147-C-T. GRCh37 (hg19) VCF-style: chr11-795147-C-T.
Other names: c.-141G>A (NM_001191060.2, NM_024698.6).
Identifiers: ClinVar variation 306275 (VCV000306275.6), dbSNP rs79919483, ClinGen allele CA10640331.

ClinVar aggregate classification (germline): Benign. Review status: criteria provided, multiple submitters, no conflicts (2 of 4 stars). 2 submissions from 2 submitters: Benign (2). Last evaluated 2018-01-12.

Conditions:
Early Myoclonic Encephalopathy. Identifiers: MedGen C0270855.

Allele frequency attached by ClinVar (database versions not stated): 1000 Genomes Project 30x 0.01015; gnomAD 0.01902 and 0.01938; TOPMed 0.02020; 1000 Genomes Project 0.01038; gnomAD exomes 0.02410.

Submissions (2):

Illumina Laboratory Services, Illumina
Classification: Benign for Developmental and epileptic encephalopathy, 3. Last evaluated: 2018-01-12. Review status: criteria provided, single submitter. Criteria: ICSL Variant Classification Criteria 13 December 2019. Collection method: clinical testing. Allele origin: germline.
Comment: This variant was observed in the ICSL laboratory as part of a predisposition screen in an ostensibly healthy population. It had not been previously curated by ICSL or reported in the Human Gene Mutation Database (HGMD: prior to June 1st, 2018), and was therefore a candidate for classification through an automated scoring system. Utilizing variant allele frequency, disease prevalence and penetrance estimates, and inheritance mode, an automated score was calculated to assess if this variant is too frequent to cause the disease. Based on the score and internal cut-off values, a variant classified as benign is not then subjected to further curation. The score for this variant resulted in a classification of benign for this disease.

Breakthrough Genomics
Classification: Benign. Review status: criteria provided, single submitter. Criteria: ACMG Guidelines, 2015. Collection method: not provided. Allele origin: germline. Inheritance: Autosomal recessive inheritance. Affected: yes.